The following is an entry in ClinVar:

ClinVar aggregate classification (germline): Pathogenic/Likely pathogenic. Review status: criteria provided, multiple submitters, no conflicts (2 of 4 stars). 3 submissions from 3 submitters: Pathogenic (1); Likely pathogenic (1). 1 of the submissions does not count toward it. Last evaluated 2026-03-25.

Conditions:
GM3 synthase deficiency (SPDRS). Also called: SALT AND PEPPER DEVELOPMENTAL REGRESSION SYNDROME; SALT AND PEPPER MENTAL RETARDATION SYNDROME; AMISH INFANTILE EPILEPSY SYNDROME. Identifiers: Orphanet 171714, Orphanet 370933, MedGen C1836824, MONDO:0018274, OMIM 609056.

Allele frequency attached by ClinVar (database versions not stated): gnomAD exomes below 0.00001.
gnomAD v4.1: 2 of 1,614,092 alleles (0.00012%); highest among the groups gnomAD compares: East Asian, 0.0045%; no homozygotes.

Submissions (3):

Women's Health and Genetics/Laboratory Corporation of America, LabCorp
Classification: Likely pathogenic for GM3 synthase deficiency. Last evaluated: 2026-03-25. Review status: criteria provided, single submitter. Criteria: LabCorp Variant Classification Summary - May 2015. Collection method: clinical testing. Allele origin: germline.
Comment: Variant summary: ST3GAL5 c.584G>C (p.Cys195Ser) results in a non-conservative amino acid change in the encoded protein sequence. Algorithms developed to predict the effect of missense changes on protein structure and function all suggest that this variant is likely to be disruptive. The variant was absent in 251106 control chromosomes (gnomAD). c.584G>C has been observed in individuals affected with GM3 synthase deficiency (Lee_2016). These data indicate that the variant may be associated with disease. At least one publication reports experimental evidence evaluating an impact on protein function. The most pronounced variant effect results in <10% of normal activity (Indellicato_2018). The following publications have been ascertained in the context of this evaluation (PMID: 27232954, 31284408, 37645600). ClinVar contains an entry for this variant (Variation ID: 254245). Based on the evidence outlined above, the variant was classified as likely pathogenic.

Labcorp Genetics (formerly Invitae), Labcorp
Classification: Pathogenic for GM3 synthase deficiency. Last evaluated: 2023-10-12. Review status: criteria provided, single submitter. Criteria: Invitae Variant Classification Sherloc (09022015). Collection method: clinical testing. Allele origin: germline.
Comment: This sequence change replaces cysteine, which is neutral and slightly polar, with serine, which is neutral and polar, at codon 195 of the ST3GAL5 protein (p.Cys195Ser). This variant is not present in population databases (gnomAD no frequency). This missense change has been observed in individual(s) with clinical features of GM synthetase deficiency (PMID: 27232954). In at least one individual the data is consistent with being in trans (on the opposite chromosome) from a pathogenic variant. It has also been observed to segregate with disease in related individuals. ClinVar contains an entry for this variant (Variation ID: 254245). Advanced modeling of protein sequence and biophysical properties (such as structural, functional, and spatial information, amino acid conservation, physicochemical variation, residue mobility, and thermodynamic stability) performed at Invitae indicates that this missense variant is expected to disrupt ST3GAL5 protein function. Experimental studies have shown that this missense change affects ST3GAL5 function (PMID: 30576498). For these reasons, this variant has been classified as Pathogenic.

OMIM
Classification: Pathogenic for SALT AND PEPPER DEVELOPMENTAL REGRESSION SYNDROME. Last evaluated: 2016-09-16. Review status: no assertion criteria provided. Collection method: literature only. Allele origin: germline. Not counted in ClinVar's aggregate classification.

Literature cited by the submitters: PubMed 37645600 (cited by Women's Health and Genetics/Laboratory Corporation of America, LabCorp); PubMed 31284408 (cited by Women's Health and Genetics/Laboratory Corporation of America, LabCorp); PubMed 27232954 (cited by 3 submitters); PubMed 30576498 (cited by Labcorp Genetics (formerly Invitae), Labcorp).

NM_003896.4(ST3GAL5):c.584G>C (p.Cys195Ser)

Gene: ST3GAL5 (ST3 beta-galactoside alpha-2,3-sialyltransferase 5; minus strand). Cytogenetic location: 2p11.2.
Variant type: single nucleotide variant.
Coding change: c.584G>C on transcript NM_003896.4 (MANE Select); coding-DNA position 584, G replaced by C.
Protein change: p.Cys195Ser; replaces cysteine 195 with serine.
Molecular consequence: missense variant. On other transcripts: 5 prime UTR variant (1).
Genome position (GRCh38, 1-based): chr2:85,847,939, C>G on the plus strand (G>C on the coding strand, the complement: ST3GAL5 is on the minus strand). VCF-style: chr2-85847939-C-G. GRCh37 (hg19) VCF-style: chr2-86075062-C-G.
Other names: c.515G>C, p.Cys172Ser (NM_001042437.2); c.200G>C, p.Cys67Ser (NM_001354223.2, NM_001354224.2, NM_001354226.2 and 3 more transcripts); c.500G>C, p.Cys167Ser (NM_001354227.2, NM_001354229.2, NM_001354238.1); c.-321G>C (NM_001354247.1); c.584G>C, p.Cys195Ser (NM_001363847.1); short protein forms C195S, C167S, C172S, C67S.
Identifiers: ClinVar variation 254245 (VCV000254245.5), dbSNP rs886037930, ClinGen allele CA10586379.